The following is an entry in ClinVar:

ClinVar aggregate classification (germline): Uncertain significance. Review status: criteria provided, multiple submitters, no conflicts (2 of 4 stars). 3 submissions from 3 submitters: Uncertain significance (3). Last evaluated 2025-11-05.

Conditions:
Hereditary cancer-predisposing syndrome. Also called: Neoplastic Syndromes, Hereditary; Tumor predisposition; Hereditary Cancer Syndrome; Hereditary neoplastic syndrome. Identifiers: Orphanet 140162, MedGen C0027672, MeSH D009386, MONDO:0015356.

Allele frequency attached by ClinVar (database versions not stated): ExAC 0.00002; gnomAD exomes 0.00004.
gnomAD v4.1: 8 of 1,613,736 alleles (0.0005%); highest among the groups gnomAD compares: East Asian, 0.018%; no homozygotes.

Submissions (3):

Labcorp Genetics (formerly Invitae), Labcorp
Classification: Uncertain significance. Last evaluated: 2025-11-05. Review status: criteria provided, single submitter. Criteria: Invitae Variant Classification Sherloc (09022015). Collection method: clinical testing. Allele origin: germline.
Comment: This sequence change replaces cysteine, which is neutral and slightly polar, with tyrosine, which is neutral and polar, at codon 822 of the MSH3 protein (p.Cys822Tyr). This variant is present in population databases (rs764482775, gnomAD 0.05%). This variant has not been reported in the literature in individuals affected with MSH3-related conditions. ClinVar contains an entry for this variant (Variation ID: 648174). An algorithm developed to predict the effect of missense changes on protein structure and function (PolyPhen-2) suggests that this variant is likely to be disruptive. In summary, the available evidence is currently insufficient to determine the role of this variant in disease. Therefore, it has been classified as a Variant of Uncertain Significance.

Quest Diagnostics Nichols Institute San Juan Capistrano
Classification: Uncertain significance. Last evaluated: 2024-08-22. Review status: criteria provided, single submitter. Criteria: Quest Diagnostics criteria. Collection method: clinical testing. Allele origin: unknown.
Comment: The MSH3 c.2465G>A (p.Cys822Tyr) variant has not been reported in individuals with MSH3-related conditions in the published literature. The frequency of this variant in the general population, 0.00049 (9/18394 chromosomes (Genome Aggregation Database)), is uninformative in the assessment of its pathogenicity. Analysis of this variant using bioinformatics tools for the prediction of the effect of amino acid changes on protein structure and function yielded predictions that this variant is damaging. Based on the available information, we are unable to determine the clinical significance of this variant.

Ambry Genetics
Classification: Uncertain significance for Hereditary cancer-predisposing syndrome. Last evaluated: 2024-02-23. Review status: criteria provided, single submitter. Criteria: Ambry Variant Classification Scheme 2023. Collection method: clinical testing. Allele origin: germline.
Comment: The p.C822Y variant (also known as c.2465G>A), located in coding exon 18 of the MSH3 gene, results from a G to A substitution at nucleotide position 2465. The cysteine at codon 822 is replaced by tyrosine, an amino acid with highly dissimilar properties. This amino acid position is conserved. In addition, the in silico prediction for this alteration is inconclusive. Since supporting evidence is limited at this time, the clinical significance of this alteration remains unclear.

NM_002439.5(MSH3):c.2465G>A (p.Cys822Tyr)

Gene: MSH3 (mutS homolog 3; plus strand). Cytogenetic location: 5q14.1.
Variant type: single nucleotide variant.
Coding change: c.2465G>A on transcript NM_002439.5 (MANE Select); coding-DNA position 2465, G replaced by A.
Protein change: p.Cys822Tyr; replaces cysteine 822 with tyrosine.
Molecular consequence: missense variant.
Genome position (GRCh38, 1-based): chr5:80,787,594, G>A. VCF-style: chr5-80787594-G-A. GRCh37 (hg19) VCF-style: chr5-80083413-G-A.
Other names: short protein forms C822Y.
Identifiers: ClinVar variation 648174 (VCV000648174.12), dbSNP rs764482775, ClinGen allele CA3328266.